The following is an entry in ClinVar:

NM_006766.5(KAT6A):c.1751A>T (p.Asn584Ile)

Gene: KAT6A (lysine acetyltransferase 6A; minus strand). Cytogenetic location: 8p11.21.
Variant type: single nucleotide variant.
Coding change: c.1751A>T on transcript NM_006766.5 (MANE Select); coding-DNA position 1751, A replaced by T.
Protein change: p.Asn584Ile; replaces asparagine 584 with isoleucine.
Molecular consequence: missense variant.
Genome position (GRCh38, 1-based): chr8:41,947,902, T>A on the plus strand (A>T on the coding strand, the complement: KAT6A is on the minus strand). VCF-style: chr8-41947902-T-A. GRCh37 (hg19) VCF-style: chr8-41805420-T-A.
Other names: c.1751A>T, p.Asn584Ile (NM_001305878.2); short protein forms N584I.
Identifiers: ClinVar variation 2104103 (VCV002104103.4), dbSNP rs2486786724, ClinGen allele CA371074087.

ClinVar aggregate classification (germline): Uncertain significance (1 of 4 stars; one submission).

Submission:

Labcorp Genetics (formerly Invitae), Labcorp
Classification: Uncertain significance. Last evaluated: 2022-02-27. Review status: criteria provided, single submitter. Criteria: Invitae Variant Classification Sherloc (09022015). Collection method: clinical testing. Allele origin: germline.
Comment: In summary, the available evidence is currently insufficient to determine the role of this variant in disease. Therefore, it has been classified as a Variant of Uncertain Significance. Algorithms developed to predict the effect of missense changes on protein structure and function are either unavailable or do not agree on the potential impact of this missense change (SIFT: "Deleterious"; PolyPhen-2: "Possibly Damaging"; Align-GVGD: "Class C0"). This variant has not been reported in the literature in individuals affected with KAT6A-related conditions. This variant is not present in population databases (gnomAD no frequency). This sequence change replaces asparagine, which is neutral and polar, with isoleucine, which is neutral and non-polar, at codon 584 of the KAT6A protein (p.Asn584Ile).